The following is an entry in ClinVar:

ClinVar aggregate classification (germline): Uncertain significance (1 of 4 stars; one submission).

Conditions:
Inborn genetic diseases. Identifiers: MedGen C0950123, MeSH D030342.

Submission:

Ambry Genetics
Classification: Uncertain significance for Inborn genetic diseases. Last evaluated: 2025-09-13. Review status: criteria provided, single submitter. Criteria: Ambry Variant Classification Scheme 2023. Collection method: clinical testing. Allele origin: germline.
Comment: The p.A103P variant (also known as c.307G>C), located in coding exon 1 of the WT1 gene, results from a G to C substitution at nucleotide position 307. The alanine at codon 103 is replaced by proline, an amino acid with highly similar properties. This amino acid position is conserved. In addition, this alteration is predicted to be tolerated by in silico analysis. Based on the available evidence, the clinical significance of this variant remains unclear.

NM_024426.6(WT1):c.322G>C (p.Ala108Pro)

Genes: WT1 (WT1 transcription factor; minus strand), LOC107982234 (WT1/WT1-AS bi-directional promoter region; plus strand). Cytogenetic location: 11p13.
Variant type: single nucleotide variant.
Coding change: c.322G>C on transcript NM_024426.6 (MANE Select); coding-DNA position 322, G replaced by C.
Protein change: p.Ala108Pro; replaces alanine 108 with proline.
Molecular consequence: missense variant. On other transcripts: non-coding transcript variant (2).
Genome position (GRCh38, 1-based): chr11:32,435,039, C>G on the plus strand (G>C on the coding strand, the complement: WT1 is on the minus strand). VCF-style: chr11-32435039-C-G. GRCh37 (hg19) VCF-style: chr11-32456585-C-G.
Other names: c.322G>C, p.Ala108Pro (NM_000378.6, NM_001407044.1, NM_001407045.1 and 6 more transcripts); c.103G>C, p.Ala35Pro (NM_001429031.1, NM_001429032.1, NM_001429033.1 and 1 more transcripts); short protein forms A103P, A35P, A108P.
Identifiers: ClinVar variation 4202255 (VCV004202255.1).